The following is an entry in ClinVar:

ClinVar aggregate classification (germline): Uncertain significance (1 of 4 stars; one submission).

Conditions:
Pancreatic adenocarcinoma. Identifiers: MedGen C0281361, MONDO:0006047, HP:0006725.

Submission:

Labcorp Genetics (formerly Invitae), Labcorp
Classification: Uncertain significance for Pancreatic adenocarcinoma. Last evaluated: 2021-11-17. Review status: criteria provided, single submitter. Criteria: Invitae Variant Classification Sherloc (09022015). Collection method: clinical testing. Allele origin: germline.
Comment: In summary, the available evidence is currently insufficient to determine the role of this variant in disease. Therefore, it has been classified as a Variant of Uncertain Significance. Algorithms developed to predict the effect of missense changes on protein structure and function are either unavailable or do not agree on the potential impact of this missense change (SIFT: "Deleterious"; PolyPhen-2: "Benign"; Align-GVGD: "Class C0"). This variant has not been reported in the literature in individuals affected with PALLD-related conditions. This variant is not present in population databases (gnomAD no frequency). This sequence change replaces lysine, which is basic and polar, with isoleucine, which is neutral and non-polar, at codon 628 of the PALLD protein (p.Lys628Ile).

NM_001166108.2(PALLD):c.*69A>T

Genes: CBR4 (carbonyl reductase 4; minus strand), PALLD (palladin, cytoskeletal associated protein; plus strand). Cytogenetic location: 4q32.3.
Variant type: single nucleotide variant.
Coding change: c.*69A>T on transcript NM_001166108.2 (MANE Select); 69 bases downstream of the stop codon, A replaced by T.
Molecular consequence: 3 prime UTR variant. On other transcripts: missense variant (4).
Genome position (GRCh38, 1-based): chr4:168,926,249, A>T. VCF-style: chr4-168926249-A-T. GRCh37 (hg19) VCF-style: chr4-169847400-A-T.
Other names: c.2198A>T, p.Lys733Ile (NM_001166109.2); c.1883A>T, p.Lys628Ile (NM_001166110.2); c.*69A>T (NM_001367567.1, NM_001367570.1, NM_016081.4); c.1274A>T, p.Lys425Ile (NM_001367568.1); c.1223A>T, p.Lys408Ile (NM_001367569.1); short protein forms K425I, K628I, K408I, K733I.
Identifiers: ClinVar variation 1349333 (VCV001349333.6), dbSNP rs2126617465, ClinGen allele CA358715768.
Genomic context (GRCh38, chr4:168,926,249, plus strand): 5'-TTAATTTACTCTTTTTCTTTGTAGCCCAGTGGCATCAGCAGTCACAGAGCACCAAGCCAA[A>T]AAAAGTACGGCCCTCAGCCAGTCGCTATGCAGCACTTTCGGACCAGGGACTAGACATCAA-3'